The following is an entry in ClinVar:

NM_001256071.3(RNF213):c.9821C>T (p.Ser3274Leu)

Gene: RNF213 (ring finger protein 213; plus strand). Cytogenetic location: 17q25.3.
Variant type: single nucleotide variant.
Coding change: c.9821C>T on transcript NM_001256071.3 (MANE Select); coding-DNA position 9821, C replaced by T.
Protein change: p.Ser3274Leu; replaces serine 3274 with leucine.
Molecular consequence: missense variant.
Genome position (GRCh38, 1-based): chr17:80,348,156, C>T. VCF-style: chr17-80348156-C-T. GRCh37 (hg19) VCF-style: chr17-78321956-C-T.
Other names: p.Ser3274Leu; short protein forms S3274L.
Identifiers: ClinVar variation 738668 (VCV000738668.5), dbSNP rs139428059, ClinGen allele CA8821207.

ClinVar aggregate classification (germline): Conflicting classifications of pathogenicity. Review status: criteria provided, conflicting classifications (1 of 4 stars). 3 submissions from 3 submitters: Uncertain significance (1); Likely benign (2). Last evaluated 2025-12-13.

Conditions:
RNF213-related disorder. Also called: RNF213-related condition.

Allele frequency attached by ClinVar (database versions not stated): gnomAD exomes 0.00006 and 0.00020; ExAC 0.00025; 1000 Genomes Project 0.00040; ESP Exome Variant Server 0.00062; gnomAD 0.00070 and 0.00074; 1000 Genomes Project 30x 0.00078; TOPMed 0.00085.
gnomAD v4.1: 190 of 1,614,070 alleles (0.012%); highest among the groups gnomAD compares: African/African-American, 0.22%; no homozygotes.

Submissions (3):

Mayo Clinic Laboratories, Mayo Clinic
Classification: Uncertain significance. Last evaluated: 2025-12-13. Review status: criteria provided, single submitter. Criteria: ACMG Guidelines, 2015. Collection method: clinical testing. Allele origin: germline. Observed: 1 variant allele.
Comment: BP4_strong, PM2_supporting

PreventionGenetics, part of Exact Sciences
Classification: Likely benign for RNF213-related condition. Last evaluated: 2025-11-03. Review status: criteria provided, single submitter. Criteria: ACMG Guidelines, 2015. Collection method: clinical testing. Allele origin: germline.
Comment: This variant is classified as likely benign based on ACMG/AMP sequence variant interpretation guidelines (Richards et al. 2015 PMID: 25741868, with internal and published modifications).

Labcorp Genetics (formerly Invitae), Labcorp
Classification: Likely benign. Last evaluated: 2018-04-03. Review status: criteria provided, single submitter. Criteria: Invitae Variant Classification Sherloc (09022015). Collection method: clinical testing. Allele origin: germline.